The following is an entry in ClinVar:

ClinVar aggregate classification (germline): Uncertain significance (1 of 4 stars; one submission).

gnomAD v4.1: 30 of 1,550,366 alleles (0.0019%); highest among the groups gnomAD compares: Non-Finnish European, 0.0025%; no homozygotes.

Submission:

Labcorp Genetics (formerly Invitae), Labcorp
Classification: Uncertain significance. Last evaluated: 2023-03-08. Review status: criteria provided, single submitter. Criteria: Invitae Variant Classification Sherloc (09022015). Collection method: clinical testing. Allele origin: germline.
Comment: In summary, the available evidence is currently insufficient to determine the role of this variant in disease. Therefore, it has been classified as a Variant of Uncertain Significance. Advanced modeling of protein sequence and biophysical properties (such as structural, functional, and spatial information, amino acid conservation, physicochemical variation, residue mobility, and thermodynamic stability) performed at Invitae indicates that this missense variant is not expected to disrupt MMP9 protein function. This variant has not been reported in the literature in individuals affected with MMP9-related conditions. The frequency data for this variant in the population databases is considered unreliable, as metrics indicate poor data quality at this position in the gnomAD database. This sequence change replaces arginine, which is basic and polar, with tryptophan, which is neutral and slightly polar, at codon 652 of the MMP9 protein (p.Arg652Trp).

NM_004994.3(MMP9):c.1954C>T (p.Arg652Trp)

Genes: MMP9 (matrix metallopeptidase 9; plus strand), SLC12A5-AS1 (SLC12A5 and MMP9 antisense RNA 1; minus strand), LOC130065978 (ATAC-STARR-seq lymphoblastoid silent region 12969; plus strand). Cytogenetic location: 20q13.12.
Variant type: single nucleotide variant.
Coding change: c.1954C>T on transcript NM_004994.3 (MANE Select); coding-DNA position 1954, C replaced by T.
Protein change: p.Arg652Trp; replaces arginine 652 with tryptophan.
Molecular consequence: missense variant. On other transcripts: non-coding transcript variant (1).
Genome position (GRCh38, 1-based): chr20:46,014,423, C>T. VCF-style: chr20-46014423-C-T. GRCh37 (hg19) VCF-style: chr20-44643062-C-T.
Other names: short protein forms R652W.
Identifiers: ClinVar variation 3007385 (VCV003007385.3), dbSNP rs199533749, ClinGen allele CA315636815.